The following is an entry in ClinVar:

NM_001267550.2(TTN):c.8116+19G>A

Gene: TTN (titin; minus strand). Cytogenetic location: 2q31.2.
Variant type: single nucleotide variant.
Coding change: c.8116+19G>A on transcript NM_001267550.2 (MANE Select); 19 bases into the intron after coding-DNA position 8116, G replaced by A.
Molecular consequence: intron variant.
Genome position (GRCh38, 1-based): chr2:178,771,192, C>T on the plus strand (G>A on the coding strand, the complement: TTN is on the minus strand). VCF-style: chr2-178771192-C-T. GRCh37 (hg19) VCF-style: chr2-179635919-C-T.
Other names: c.7978+19G>A (NM_003319.4, NM_133437.4, NM_133432.3); c.8116+19G>A (NM_133378.4, NM_001256850.1, NM_133379.5).
Identifiers: ClinVar variation 137825 (VCV000137825.21), dbSNP rs13011633, ClinGen allele CA291512.

ClinVar aggregate classification (germline): Benign. Review status: criteria provided, multiple submitters, no conflicts (2 of 4 stars). 14 submissions from 11 submitters: Benign (10). 4 of the submissions do not count toward it. Last evaluated 2026-02-04.

Conditions:
Autosomal recessive limb-girdle muscular dystrophy type 2J (LGMDR10). Also called: MUSCULAR DYSTROPHY, LIMB-GIRDLE, AUTOSOMAL RECESSIVE 10; Limb-girdle muscular dystrophy, type 2J. Identifiers: Orphanet 140922, MedGen C1837342, MONDO:0012127, OMIM 608807.
Dilated cardiomyopathy 1G (CMD1G). Identifiers: Orphanet 154, MedGen C1858763, MONDO:0011400, OMIM 604145.
Early-onset myopathy with fatal cardiomyopathy (CMYO5). Also called: CONGENITAL MYOPATHY 5 WITH CARDIOMYOPATHY; Salih Myopathy. Identifiers: Orphanet 289377, MedGen C2673677, MONDO:0012714, OMIM 611705. Disease mechanism: loss of function.
Myopathy, myofibrillar, 9, with early respiratory failure (MFM9). Also called: Hereditary myopathy with early respiratory failure; EDSTROM MYOPATHY; MYOPATHY, PROXIMAL, WITH EARLY RESPIRATORY MUSCLE INVOLVEMENT; Myopathy, distal, with early respiratory failure, autosomal dominant. Identifiers: Orphanet 178464, Orphanet 34521, MedGen C1863599, MONDO:0011362, OMIM 603689.
Tibial muscular dystrophy (TMD). Also called: UDD MYOPATHY; Udd Distal Myopathy – Tibial Muscular Dystrophy; Tibial muscular dystrophy, tardive. Identifiers: Orphanet 609, MedGen C1838244, MONDO:0010870, OMIM 600334.

Allele frequency attached by ClinVar (database versions not stated): 1000 Genomes Project 30x 0.01515; 1000 Genomes Project 0.01558; gnomAD 0.02491 and 0.02607; ESP Exome Variant Server 0.02645; TOPMed 0.02665.
gnomAD v4.1: 49,743 of 1,613,536 alleles (3.1%); highest among the groups gnomAD compares: Middle Eastern, 4.5%; 929 homozygotes.

Submissions (14):

Labcorp Genetics (formerly Invitae), Labcorp
Classification: Benign for Dilated cardiomyopathy 1G; Autosomal recessive limb-girdle muscular dystrophy type 2J. Last evaluated: 2026-02-04. Review status: criteria provided, single submitter. Criteria: Invitae Variant Classification Sherloc (09022015). Collection method: clinical testing. Allele origin: germline.

Blueprint Genetics
Classification: Benign. Last evaluated: 2024-11-26. Review status: criteria provided, single submitter. Criteria: ACMG Guidelines, 2015. Collection method: clinical testing. Allele origin: germline.

Genome-Nilou Lab
Classification: Benign for Autosomal recessive limb-girdle muscular dystrophy type 2J. Last evaluated: 2021-09-10. Review status: criteria provided, single submitter. Criteria: ACMG Guidelines, 2015. Collection method: clinical testing. Allele origin: germline. Affected: no.

Genome-Nilou Lab
Classification: Benign for Myopathy, myofibrillar, 9, with early respiratory failure. Last evaluated: 2021-09-10. Review status: criteria provided, single submitter. Criteria: ACMG Guidelines, 2015. Collection method: clinical testing. Allele origin: germline. Affected: no.

Genome-Nilou Lab
Classification: Benign for Early-onset myopathy with fatal cardiomyopathy. Last evaluated: 2021-09-10. Review status: criteria provided, single submitter. Criteria: ACMG Guidelines, 2015. Collection method: clinical testing. Allele origin: germline. Affected: no.

Genome-Nilou Lab
Classification: Benign for Tibial muscular dystrophy. Last evaluated: 2021-09-10. Review status: criteria provided, single submitter. Criteria: ACMG Guidelines, 2015. Collection method: clinical testing. Allele origin: germline. Affected: no.

Women's Health and Genetics/Laboratory Corporation of America, LabCorp
Classification: Benign. Last evaluated: 2019-08-24. Review status: criteria provided, single submitter. Criteria: LabCorp Variant Classification Summary - May 2015. Collection method: clinical testing. Allele origin: germline.

GeneDx
Classification: Benign. Last evaluated: 2012-10-25. Review status: criteria provided, single submitter. Criteria: GeneDx Variant Classification (06012015). Collection method: clinical testing. Allele origin: germline. Affected: yes.
Comment: This variant is considered likely benign or benign based on one or more of the following criteria: it is a conservative change, it occurs at a poorly conserved position in the protein, it is predicted to be benign by multiple in silico algorithms, and/or has population frequency not consistent with disease.

Breakthrough Genomics
Classification: Benign. Review status: criteria provided, single submitter. Criteria: ACMG Guidelines, 2015. Collection method: not provided. Allele origin: germline. Inheritance: Autosomal recessive inheritance. Affected: yes.

PreventionGenetics, part of Exact Sciences
Classification: Benign. Review status: criteria provided, single submitter. Criteria: ACMG Guidelines, 2015. Collection method: clinical testing. Allele origin: germline.

Clinical Genetics DNA and cytogenetics Diagnostics Lab, Erasmus MC, Erasmus Medical Center
Classification: Benign. Review status: no assertion criteria provided. Collection method: clinical testing. Allele origin: germline. Affected: yes. Study: VKGL Data-share Consensus. Not counted in ClinVar's aggregate classification.

Clinical Genetics, Academic Medical Center
Classification: Benign. Review status: no assertion criteria provided. Collection method: clinical testing. Allele origin: germline. Affected: yes. Study: VKGL Data-share Consensus. Not counted in ClinVar's aggregate classification.

Joint Genome Diagnostic Labs from Nijmegen and Maastricht, Radboudumc and MUMC+
Classification: Benign. Review status: no assertion criteria provided. Collection method: clinical testing. Allele origin: germline. Affected: yes. Study: VKGL Data-share Consensus. Not counted in ClinVar's aggregate classification.

Laboratory of Diagnostic Genome Analysis, Leiden University Medical Center (LUMC)
Classification: Likely benign. Review status: no assertion criteria provided. Collection method: clinical testing. Allele origin: germline. Affected: yes. Study: VKGL Data-share Consensus. Not counted in ClinVar's aggregate classification.